The following is an entry in ClinVar:

NM_001371623.1(TCOF1):c.520G>T (p.Glu174Ter)

Gene: TCOF1 (treacle ribosome biogenesis factor 1; plus strand). Cytogenetic location: 5q32.
Variant type: single nucleotide variant.
Coding change: c.520G>T on transcript NM_001371623.1 (MANE Select); coding-DNA position 520, G replaced by T.
Protein change: p.Glu174Ter; replaces glutamic acid 174 with a stop codon.
Molecular consequence: nonsense.
Genome position (GRCh38, 1-based): chr5:150,368,857, G>T. VCF-style: chr5-150368857-G-T. GRCh37 (hg19) VCF-style: chr5-149748420-G-T.
Other names: c.520G>T, p.Glu174Ter (NM_000356.4, NM_001008657.3, NM_001135243.2 and 3 more transcripts); short protein forms E174*.
Identifiers: ClinVar variation 948571 (VCV000948571.4), dbSNP rs1761930554, ClinGen allele CA361735549.
Genomic context (GRCh38, chr5:150,368,857, plus strand): 5'-GGGAAGTCTCCCAGGAAGTCAGCAGAGCCCTCAGCAAATACTACGTTGGTCTCAGAAACT[G>T]AGGAGGAGGGCAGCGTCCCGGCCTTTGGAGCTGCTGCCAAGCCTGGTAAGAAGTCCCCAC-3'

ClinVar aggregate classification (germline): Pathogenic/Likely pathogenic. Review status: criteria provided, multiple submitters, no conflicts (2 of 4 stars). 2 submissions from 2 submitters: Pathogenic (1); Likely pathogenic (1). Last evaluated 2024-12-06.

Conditions:
TCOF1-related disorder. Also called: TCOF1-related condition.
Treacher Collins syndrome 1 (TCS1). Also called: TCOF1-Related Treacher Collins Syndrome. Identifiers: Orphanet 861, MedGen CN315775, MONDO:0007944, OMIM 154500.

Submissions (2):

PreventionGenetics, part of Exact Sciences
Classification: Likely pathogenic for TCOF1-related condition. Last evaluated: 2024-12-06. Review status: criteria provided, single submitter. Criteria: ACMG Guidelines, 2015. Collection method: clinical testing. Allele origin: germline.
Comment: The TCOF1 c.520G>T variant is predicted to result in premature protein termination (p.Glu174*). To our knowledge, this variant has not been reported in the literature or in a large population database (gnomAD), indicating this variant is rare. Nonsense variants in TCOF1 are expected to be pathogenic. This variant is interpreted as likely pathogenic.

Labcorp Genetics (formerly Invitae), Labcorp
Classification: Pathogenic for Treacher Collins syndrome 1. Last evaluated: 2019-05-03. Review status: criteria provided, single submitter. Criteria: Invitae Variant Classification Sherloc (09022015). Collection method: clinical testing. Allele origin: germline.
Comment: This sequence change creates a premature translational stop signal (p.Glu174*) in the TCOF1 gene. It is expected to result in an absent or disrupted protein product. This variant is not present in population databases (ExAC no frequency). This variant has not been reported in the literature in individuals with TCOF1-related conditions. Loss-of-function variants in TCOF1 are known to be pathogenic (PMID: 8894686, 22317976). For these reasons, this variant has been classified as Pathogenic.

Literature cited by the submitters: PubMed 8894686 (cited by Labcorp Genetics (formerly Invitae), Labcorp); PubMed 22317976 (cited by Labcorp Genetics (formerly Invitae), Labcorp).